The following is an entry in ClinVar:

ClinVar aggregate classification (germline): Uncertain significance. Review status: criteria provided, multiple submitters, no conflicts (2 of 4 stars). 4 submissions from 4 submitters: Uncertain significance (4). Last evaluated 2025-10-27.

Conditions:
Mucopolysaccharidosis, MPS-IV-A (MPS4A). Also called: Mucopolysaccharidosis Type IVA; GALACTOSAMINE-6-SULFATASE DEFICIENCY; GALNS DEFICIENCY; MORQUIO A DISEASE; MPS IVA; Morquio syndrome A, mild. Identifiers: Orphanet 309297, Orphanet 582, MedGen C0086651, MONDO:0009659, OMIM 253000.

Submissions (4):

Women's Health and Genetics/Laboratory Corporation of America, LabCorp
Classification: Uncertain significance. Last evaluated: 2025-10-27. Review status: criteria provided, single submitter. Criteria: LabCorp Variant Classification Summary - May 2015. Collection method: clinical testing. Allele origin: germline.
Comment: Variant summary: GALNS c.930G>C (p.Lys310Asn) results in a non-conservative amino acid change in the encoded protein sequence. Algorithms developed to predict the effect of missense changes on protein structure and function all suggest that this variant is likely to be disruptive. The variant was absent in 250594 control chromosomes. The available data on variant occurrences in the general population are insufficient to allow any conclusion about variant significance. c.930G>C has been observed in individual(s) affected with Mucopolysaccharidosis Type IVA (Morquio Syndrome A) (Tomatsu_2005). These data do not allow any conclusion about variant significance. To our knowledge, no experimental evidence demonstrating an impact on protein function has been reported. The following publication has been ascertained in the context of this evaluation (PMID: 16287098). ClinVar contains an entry for this variant (Variation ID: 566518). Based on the evidence outlined above, the variant was classified as uncertain significance.

Genome-Nilou Lab
Classification: Uncertain significance for Mucopolysaccharidosis, MPS-IV-A. Last evaluated: 2021-11-07. Review status: criteria provided, single submitter. Criteria: ACMG Guidelines, 2015. Collection method: clinical testing. Allele origin: germline. Affected: no.

Laboratory of Diagnosis and Therapy of Lysosomal Disorders, University of Padova
Classification: Uncertain significance for Mucopolysaccharidosis, MPS-IV-A. Last evaluated: 2021-02-01. Review status: criteria provided, single submitter. Criteria: ACMG Guidelines, 2015. Collection method: curation. Allele origin: germline. Affected: yes.
Comment: Located in a mutational hot spot and/or critical and well-established functional domain without benign variation (PM1_moderate); absent from gnomAD v2.1.1 (PM2_moderate); multiple lines of computational evidence support a deleterious effect on the gene (PP3_supporting)

Labcorp Genetics (formerly Invitae), Labcorp
Classification: Uncertain significance for Mucopolysaccharidosis, MPS-IV-A. Last evaluated: 2018-05-23. Review status: criteria provided, single submitter. Criteria: Invitae Variant Classification Sherloc (09022015). Collection method: clinical testing. Allele origin: germline.
Comment: This variant has been observed in combination with another GALNS variant in an individual affected with mucopolysaccharidosis type IV (PMID: 16287098). This variant is not present in population databases (ExAC no frequency). This sequence change replaces lysine with asparagine at codon 310 of the GALNS protein (p.Lys310Asn). The lysine residue is highly conserved and there is a moderate physicochemical difference between lysine and asparagine. In summary, the available evidence is currently insufficient to determine the role of this variant in disease. Therefore, it has been classified as a Variant of Uncertain Significance. Algorithms developed to predict the effect of missense changes on protein structure and function are either unavailable or do not agree on the potential impact of this missense change (SIFT: "Deleterious"; PolyPhen-2: "Probably Damaging"; Align-GVGD: "Class C0").

Literature cited by the submitters: PubMed 16287098 (cited by 3 submitters); PubMed 34387910 (cited by Laboratory of Diagnosis and Therapy of Lysosomal Disorders, University of Padova).

NM_000512.5(GALNS):c.930G>C (p.Lys310Asn)

Gene: GALNS (galactosamine (N-acetyl)-6-sulfatase; minus strand). Cytogenetic location: 16q24.3.
Variant type: single nucleotide variant.
Coding change: c.930G>C on transcript NM_000512.5 (MANE Select); coding-DNA position 930, G replaced by C.
Protein change: p.Lys310Asn; replaces lysine 310 with asparagine.
Molecular consequence: missense variant.
Genome position (GRCh38, 1-based): chr16:88,832,070, C>G on the plus strand (G>C on the coding strand, the complement: GALNS is on the minus strand). VCF-style: chr16-88832070-C-G. GRCh37 (hg19) VCF-style: chr16-88898478-C-G.
Other names: c.375G>C, p.Lys125Asn (NM_001323543.2); c.948G>C, p.Lys316Asn (NM_001323544.2); short protein forms K310N, K125N, K316N.
Identifiers: ClinVar variation 566518 (VCV000566518.14), dbSNP rs377285422, ClinGen allele CA397101331.